The following is an entry in ClinVar:

NM_001458.5(FLNC):c.5056G>T (p.Asp1686Tyr)

Gene: FLNC (filamin C; plus strand). Cytogenetic location: 7q32.1.
Variant type: single nucleotide variant.
Coding change: c.5056G>T on transcript NM_001458.5 (MANE Select); coding-DNA position 5056, G replaced by T.
Protein change: p.Asp1686Tyr; replaces aspartic acid 1686 with tyrosine.
Molecular consequence: missense variant.
Genome position (GRCh38, 1-based): chr7:128,849,435, G>T. VCF-style: chr7-128849435-G-T. GRCh37 (hg19) VCF-style: chr7-128489489-G-T.
Other names: c.5056G>T, p.Asp1686Tyr (NM_001127487.2); short protein forms D1686Y.
Identifiers: ClinVar variation 1721695 (VCV001721695.6), dbSNP rs2536650535, ClinGen allele CA369204079.

ClinVar aggregate classification (germline): Uncertain significance (1 of 4 stars; one submission).

Conditions:
Myofibrillar myopathy 5. Also called: Filaminopathy (type); FILAMINOPATHY, AUTOSOMAL DOMINANT. Identifiers: Orphanet 171445, MedGen C1836050, MONDO:0012289, OMIM 609524.
Distal myopathy with posterior leg and anterior hand involvement. Also called: WILLIAMS DISTAL MYOPATHY. Identifiers: Orphanet 63273, MedGen C3279722, MONDO:0013550, OMIM 614065.
Hypertrophic cardiomyopathy 26. Also called: Cardiomyopathy, familial hypertrophic, 26. Identifiers: Orphanet 75249, MedGen C4310749, MONDO:0014883, OMIM 617047.

Submission:

Labcorp Genetics (formerly Invitae), Labcorp
Classification: Uncertain significance for Distal myopathy with posterior leg and anterior hand involvement; Myofibrillar myopathy 5; Hypertrophic cardiomyopathy 26. Last evaluated: 2022-10-16. Review status: criteria provided, single submitter. Criteria: Invitae Variant Classification Sherloc (09022015). Collection method: clinical testing. Allele origin: germline.
Comment: This sequence change replaces aspartic acid, which is acidic and polar, with tyrosine, which is neutral and polar, at codon 1686 of the FLNC protein (p.Asp1686Tyr). In summary, the available evidence is currently insufficient to determine the role of this variant in disease. Therefore, it has been classified as a Variant of Uncertain Significance. Advanced modeling of protein sequence and biophysical properties (such as structural, functional, and spatial information, amino acid conservation, physicochemical variation, residue mobility, and thermodynamic stability) has been performed at Invitae for this missense variant, however the output from this modeling did not meet the statistical confidence thresholds required to predict the impact of this variant on FLNC protein function. This variant has not been reported in the literature in individuals affected with FLNC-related conditions. This variant is not present in population databases (gnomAD no frequency).